The following is an entry in ClinVar:

ClinVar aggregate classification (germline): Uncertain significance (1 of 4 stars; one submission).

Conditions:
Nemaline myopathy 2 (NEM2). Also called: Nemaline myopathy 2, autosomal recessive. Identifiers: MedGen C1850569, MONDO:0009725, OMIM 256030.

Submission:

Myriad Genetics, Inc.
Classification: Uncertain significance for Nemaline myopathy 2. Last evaluated: 2025-10-29. Review status: criteria provided, single submitter. Criteria: Myriad Autosomal Dominant, Autosomal Recessive and X-Linked Classification Criteria (2023). Collection method: clinical testing. Allele origin: unknown.
Comment: NM_001271208.1(NEB):c.20578-1G>T is a variant in a canonical splice site classified as a variant of uncertain significance in the context of NEB-related nemaline myopathy. c.20578-1G>T has not been observed in cases with relevant disease. Relevant functional assessments of this variant are not available in the literature. c.20578-1G>T has not been observed in referenced population frequency databases. In summary, there is insufficient evidence to classify NM_001271208.1(NEB):c.20578-1G>T as pathogenic or benign. Please note: this variant was assessed in the context of healthy population screening.

NM_001164508.2(NEB):c.20578-1G>T

Gene: NEB (nebulin; minus strand). Cytogenetic location: 2q23.3.
Variant type: single nucleotide variant.
Coding change: c.20578-1G>T on transcript NM_001164508.2 (MANE Select); the canonical splice acceptor site of the intron before coding-DNA position 20578, G replaced by T.
Molecular consequence: splice acceptor variant.
Genome position (GRCh38, 1-based): chr2:151,541,552, C>A on the plus strand (G>T on the coding strand, the complement: NEB is on the minus strand). VCF-style: chr2-151541552-C-A. GRCh37 (hg19) VCF-style: chr2-152398066-C-A.
Other names: c.15475-1G>T (NM_004543.5); c.20578-1G>T (NM_001164507.2, NM_001271208.2).
Identifiers: ClinVar variation 5004258 (VCV005004258.1).